The following is an entry in ClinVar:

ClinVar aggregate classification (germline): Uncertain significance (1 of 4 stars; one submission).

Allele frequency attached by ClinVar (database versions not stated): gnomAD exomes below 0.00001.
gnomAD v4.1: 1 of 1,614,184 alleles (0.000062%); highest among the groups gnomAD compares: Non-Finnish European, 0.000085%; no homozygotes.

Submission:

Labcorp Genetics (formerly Invitae), Labcorp
Classification: Uncertain significance. Last evaluated: 2022-02-18. Review status: criteria provided, single submitter. Criteria: Invitae Variant Classification Sherloc (09022015). Collection method: clinical testing. Allele origin: germline.
Comment: In summary, the available evidence is currently insufficient to determine the role of this variant in disease. Therefore, it has been classified as a Variant of Uncertain Significance. Algorithms developed to predict the effect of missense changes on protein structure and function (SIFT, PolyPhen-2, Align-GVGD) all suggest that this variant is likely to be tolerated. This variant has not been reported in the literature in individuals affected with OPN1SW-related conditions. This variant is not present in population databases (gnomAD no frequency). This sequence change replaces valine, which is neutral and non-polar, with isoleucine, which is neutral and non-polar, at codon 273 of the OPN1SW protein (p.Val273Ile).

NM_001385125.1(OPN1SW):c.808G>A (p.Val270Ile)

Gene: OPN1SW (opsin 1, short wave sensitive; minus strand). Cytogenetic location: 7q32.1.
Variant type: single nucleotide variant.
Coding change: c.808G>A on transcript NM_001385125.1 (MANE Select); coding-DNA position 808, G replaced by A.
Protein change: p.Val270Ile; replaces valine 270 with isoleucine.
Molecular consequence: missense variant.
Genome position (GRCh38, 1-based): chr7:128,773,759, C>T on the plus strand (G>A on the coding strand, the complement: OPN1SW is on the minus strand). VCF-style: chr7-128773759-C-T. GRCh37 (hg19) VCF-style: chr7-128413813-C-T.
Other names: short protein forms V270I.
Identifiers: ClinVar variation 1955907 (VCV001955907.5), dbSNP rs1801688159, ClinGen allele CA369217776.